The following is an entry in ClinVar:

NM_001167.4(XIAP):c.371del (p.Arg124fs)

Gene: XIAP (X-linked inhibitor of apoptosis; plus strand). Cytogenetic location: Xq25.
Variant type: Deletion.
Coding change: c.371del on transcript NM_001167.4 (MANE Select); coding-DNA position 371, one base deleted (G; older notation c.371delG).
Protein change: p.Arg124fs; shifts the reading frame from arginine 124.
Molecular consequence: frameshift variant.
Genome position (GRCh38, 1-based): chrX:123,886,033, G deleted. VCF-style (leftmost placement, unchanged base first): chrX-123886032-AG-A. GRCh37 (hg19) VCF-style: chrX-123019882-AG-A.
Other names: c.371del, p.Arg124fs (NM_001204401.2, NM_001378590.1, NM_001378591.1 and 1 more transcripts); short protein forms R124fs.
Identifiers: ClinVar variation 2836709 (VCV002836709.3), dbSNP rs2522585183, ClinGen allele CA2739273753.

ClinVar aggregate classification (germline): Pathogenic (1 of 4 stars; one submission).

Conditions:
X-linked lymphoproliferative disease due to XIAP deficiency. Also called: XIAP-Related Lymphoproliferative Disease, X-Linked; XIAP DEFICIENCY. Identifiers: Orphanet 2442, Orphanet 538934, MedGen C1845076, MONDO:0010385, OMIM 300635.

Submission:

Labcorp Genetics (formerly Invitae), Labcorp
Classification: Pathogenic for X-linked lymphoproliferative disease due to XIAP deficiency. Last evaluated: 2023-04-29. Review status: criteria provided, single submitter. Criteria: Invitae Variant Classification Sherloc (09022015). Collection method: clinical testing. Allele origin: germline.
Comment: For these reasons, this variant has been classified as Pathogenic. This variant has not been reported in the literature in individuals affected with XIAP-related conditions. This variant is not present in population databases (gnomAD no frequency). This sequence change creates a premature translational stop signal (p.Arg124Lysfs*6) in the XIAP gene. It is expected to result in an absent or disrupted protein product. Loss-of-function variants in XIAP are known to be pathogenic (PMID: 17080092, 21119115, 25666262).

Literature cited by the submitters: PubMed 17080092; PubMed 21119115; PubMed 25666262.